The following is an entry in ClinVar:

ClinVar aggregate classification (germline): Uncertain significance (1 of 4 stars; one submission).

Allele frequency attached by ClinVar (database versions not stated): gnomAD exomes below 0.00001.
gnomAD v4.1: 6 of 1,613,866 alleles (0.00037%); highest among the groups gnomAD compares: Non-Finnish European, 0.00051%; no homozygotes.

Submission:

Labcorp Genetics (formerly Invitae), Labcorp
Classification: Uncertain significance. Last evaluated: 2024-03-12. Review status: criteria provided, single submitter. Criteria: Invitae Variant Classification Sherloc (09022015). Collection method: clinical testing. Allele origin: germline.
Comment: This sequence change replaces alanine, which is neutral and non-polar, with threonine, which is neutral and polar, at codon 5001 of the HMCN1 protein (p.Ala5001Thr). This variant is not present in population databases (gnomAD no frequency). This variant has not been reported in the literature in individuals affected with HMCN1-related conditions. An algorithm developed to predict the effect of missense changes on protein structure and function (PolyPhen-2) suggests that this variant is likely to be tolerated. In summary, the available evidence is currently insufficient to determine the role of this variant in disease. Therefore, it has been classified as a Variant of Uncertain Significance.

NM_031935.3(HMCN1):c.15001G>A (p.Ala5001Thr)

Genes: HMCN1 (hemicentin 1; plus strand), LOC129388665 (MPRA-validated peak513 silencer; plus strand). Cytogenetic location: 1q31.1.
Variant type: single nucleotide variant.
Coding change: c.15001G>A on transcript NM_031935.3 (MANE Select); coding-DNA position 15001, G replaced by A.
Protein change: p.Ala5001Thr; replaces alanine 5001 with threonine.
Molecular consequence: missense variant.
Genome position (GRCh38, 1-based): chr1:186,152,854, G>A. VCF-style: chr1-186152854-G-A. GRCh37 (hg19) VCF-style: chr1-186121986-G-A.
Other names: short protein forms A5001T.
Identifiers: ClinVar variation 2762572 (VCV002762572.3), dbSNP rs1650760899, ClinGen allele CA343922249.
Genomic context (GRCh38, chr1:186,152,854, plus strand): 5'-GATGGTTCTTTGCTGCTAGATATCGTTGTGAGTGGCTATGTCCTACAGCTTCAGTCACCT[G>A]CTGAAGTCACTGTAAAGGTAAAATGCCAGGATAACTTGTCTTTGCTGCTTATTAGAGTAA-3'
Protein context (NP_114141.2, residues 4991-5011): SGYVLQLQSP[Ala5001Thr]EVTVKDYTED